The following is an entry in ClinVar:

NM_001042492.3(NF1):c.5698A>G (p.Ile1900Val)

Gene: NF1 (neurofibromin 1; plus strand). Cytogenetic location: 17q11.2.
Variant type: single nucleotide variant.
Coding change: c.5698A>G on transcript NM_001042492.3 (MANE Select); coding-DNA position 5698, A replaced by G.
Protein change: p.Ile1900Val; replaces isoleucine 1900 with valine.
Molecular consequence: missense variant.
Genome position (GRCh38, 1-based): chr17:31,330,384, A>G. VCF-style: chr17-31330384-A-G. GRCh37 (hg19) VCF-style: chr17-29657402-A-G.
Other names: c.5635A>G, p.Ile1879Val (NM_000267.4); short protein forms I1879V, I1900V.
Identifiers: ClinVar variation 3237839 (VCV003237839.1), dbSNP rs2151544644.
Genomic context (GRCh38, chr17:31,330,384, plus strand): 5'-TTAACTTGTACCTTTAATTTAAAAATCGAGGGCCAGTTACTAGAGACATCAGGTTTATGT[A>G]TCCCTGCCAACAACACCCTCTTTATTGTCTCTATTAGTAAGACACTGGCAGCCAATGAGC-3'
Protein context (NP_001035957.1, residues 1890-1910): GQLLETSGLC[Ile1900Val]PANNTLFIVS

ClinVar aggregate classification (germline): Uncertain significance (1 of 4 stars; one submission).

Conditions:
Hereditary cancer-predisposing syndrome. Also called: Neoplastic Syndromes, Hereditary; Tumor predisposition; Hereditary neoplastic syndrome; Hereditary Cancer Syndrome. Identifiers: Orphanet 140162, MedGen C0027672, MeSH D009386, MONDO:0015356.
Cardiovascular phenotype. Identifiers: MedGen CN230736.

Submission:

Ambry Genetics
Classification: Uncertain significance for Cardiovascular phenotype; Hereditary cancer-predisposing syndrome. Last evaluated: 2024-02-10. Review status: criteria provided, single submitter. Criteria: Ambry Variant Classification Scheme 2023. Collection method: clinical testing. Allele origin: germline.
Comment: The p.I1879V variant (also known as c.5635A>G), located in coding exon 38 of the NF1 gene, results from an A to G substitution at nucleotide position 5635. The isoleucine at codon 1879 is replaced by valine, an amino acid with highly similar properties. This amino acid position is conserved. In addition, this alteration is predicted to be deleterious by in silico analysis. Based on the available evidence, the clinical significance of this alteration remains unclear.